The following is an entry in ClinVar:

ClinVar aggregate classification (germline): Uncertain significance (1 of 4 stars; one submission).

Submission:

Labcorp Genetics (formerly Invitae), Labcorp
Classification: Uncertain significance. Last evaluated: 2025-12-23. Review status: criteria provided, single submitter. Criteria: Invitae Variant Classification Sherloc (09022015). Collection method: clinical testing. Allele origin: germline.
Comment: This variant, c.1346_1348del, results in the deletion of 1 amino acid(s) of the HNF1A protein (p.Ile449del), but otherwise preserves the integrity of the reading frame. This variant is present in population databases (no rsID available, gnomAD 0.002%). This variant has not been reported in the literature in individuals affected with HNF1A-related conditions. Experimental studies and prediction algorithms are not available or were not evaluated, and the functional significance of this variant is currently unknown. In summary, the available evidence is currently insufficient to determine the role of this variant in disease. Therefore, it has been classified as a Variant of Uncertain Significance.

NM_000545.8(HNF1A):c.1343TCA[1] (p.Ile449del)

Gene: HNF1A (HNF1 homeobox A; plus strand). Cytogenetic location: 12q24.31.
Variant type: Microsatellite.
Coding change: c.1343TCA[1] on transcript NM_000545.8 (MANE Select); one copy of the 3-base unit TCA starting at c.1343; the reference has two copies in a row; one copy, 3 bases deleted.
Protein change: p.Ile449del; deletes isoleucine 449.
Molecular consequence: intron variant (on NM_001406915.1).
Genome position (GRCh38, 1-based): chr12:120,997,510-120,997,512, TCA deleted; deleting any 3 consecutive bases within chr12:120,997,507-120,997,512 gives the same sequence; the position shown is the placement nearest the transcript's 3' end. VCF-style (leftmost placement, unchanged base first): chr12-120997506-GTCA-G. GRCh37 (hg19) VCF-style: chr12-121435309-GTCA-G.
Other names: c.1343TCA[1], p.Ile449del (NM_001306179.2); c.1309+768_1309+770del (NM_001406915.1); short protein forms I449del.
Identifiers: ClinVar variation 3720020 (VCV003720020.2).